The following is an entry in ClinVar:

NM_007294.4(BRCA1):c.2095G>C (p.Glu699Gln)

Gene: BRCA1 (BRCA1 DNA repair associated; minus strand). Cytogenetic location: 17q21.31.
Variant type: single nucleotide variant.
Coding change: c.2095G>C on transcript NM_007294.4 (MANE Select); coding-DNA position 2095, G replaced by C.
Protein change: p.Glu699Gln; replaces glutamic acid 699 with glutamine.
Molecular consequence: missense variant. On other transcripts: intron variant (137).
Genome position (GRCh38, 1-based): chr17:43,093,436, C>G on the plus strand (G>C on the coding strand, the complement: BRCA1 is on the minus strand). VCF-style: chr17-43093436-C-G. GRCh37 (hg19) VCF-style: chr17-41245453-C-G.
Other names: c.1954G>C, p.Glu652Gln (NM_001407851.1, NM_001407852.1, NM_001407942.1 and 29 more transcripts); c.1882G>C, p.Glu628Gln (NM_001407853.1, NM_001407894.1, NM_001407895.1 and 9 more transcripts); c.2095G>C, p.Glu699Gln (NM_001407854.1, NM_001407858.1, NM_001407859.1 and 30 more transcripts); c.2092G>C, p.Glu698Gln (NM_001407860.1, NM_001407861.1, NM_001407587.1 and 22 more transcripts); c.1894G>C, p.Glu632Gln (NM_001407862.1); c.1972G>C, p.Glu658Gln (NM_001407863.1, NM_001407919.1, NM_001407937.1 and 19 more transcripts); c.1891G>C, p.Glu631Gln (NM_001407874.1, NM_001407875.1); c.1885G>C, p.Glu629Gln (NM_001407879.1, NM_001407881.1, NM_001407882.1 and 13 more transcripts); and 41 more; short protein forms E699Q, E652Q, E403Q, E572Q, E610Q, E629Q, E631Q, E698Q.
Identifiers: ClinVar variation 229966 (VCV000229966.9), dbSNP rs876658306, ClinGen allele CA10580636.

ClinVar aggregate classification (germline): Conflicting classifications of pathogenicity. Review status: criteria provided, conflicting classifications (1 of 4 stars). 2 submissions from 2 submitters: Uncertain significance (1); Likely benign (1). Last evaluated 2025-03-26.

Conditions:
Hereditary cancer-predisposing syndrome. Also called: Hereditary neoplastic syndrome; Hereditary Cancer Syndrome; Neoplastic Syndromes, Hereditary; Tumor predisposition. Identifiers: Orphanet 140162, MedGen C0027672, MeSH D009386, MONDO:0015356.

Submissions (2):

Ambry Genetics
Classification: Uncertain significance for Hereditary cancer-predisposing syndrome. Last evaluated: 2025-03-26. Review status: criteria provided, single submitter. Criteria: Ambry Variant Classification Scheme 2023. Collection method: clinical testing. Allele origin: germline.
Comment: The p.E699Q variant (also known as c.2095G>C), located in coding exon 9 of the BRCA1 gene, results from a G to C substitution at nucleotide position 2095. The glutamic acid at codon 699 is replaced by glutamine, an amino acid with highly similar properties. This amino acid position is not well conserved in available vertebrate species. In addition, the in silico prediction for this alteration is inconclusive. Based on the available evidence, the clinical significance of this variant remains unclear.

University of Washington Department of Laboratory Medicine, University of Washington
Classification: Likely benign for Hereditary cancer-predisposing syndrome. Last evaluated: 2023-03-23. Review status: criteria provided, single submitter. Criteria: Dines et al. (Genet Med. 2020). Collection method: curation. Allele origin: germline.
Comment: Missense variant in a coldspot region where missense variants are very unlikely to be pathogenic (PMID:31911673).

BRCA1 coldspot (exon 11 using historical exon numbering). Reclassification based on statistical prior probability